The following is an entry in ClinVar:

ClinVar aggregate classification (germline): Uncertain significance (1 of 4 stars; one submission).

Submission:

Labcorp Genetics (formerly Invitae), Labcorp
Classification: Uncertain significance. Last evaluated: 2022-11-08. Review status: criteria provided, single submitter. Criteria: Invitae Variant Classification Sherloc (09022015). Collection method: clinical testing. Allele origin: germline.
Comment: In summary, the available evidence is currently insufficient to determine the role of this variant in disease. Therefore, it has been classified as a Variant of Uncertain Significance. Algorithms developed to predict the effect of missense changes on protein structure and function are either unavailable or do not agree on the potential impact of this missense change (SIFT: "Deleterious"; PolyPhen-2: "Probably Damaging"; Align-GVGD: "Class C0"). ClinVar contains an entry for this variant (Variation ID: 1376831). This variant has not been reported in the literature in individuals affected with DIP2C-related conditions. This variant is not present in population databases (gnomAD no frequency). This sequence change replaces alanine, which is neutral and non-polar, with threonine, which is neutral and polar, at codon 495 of the DIP2C protein (p.Ala495Thr).

NM_014974.3(DIP2C):c.1483G>A (p.Ala495Thr)

Gene: DIP2C (DIP2 acetate--CoA ligase C (putative); minus strand). Cytogenetic location: 10p15.3.
Variant type: single nucleotide variant.
Coding change: c.1483G>A on transcript NM_014974.3 (MANE Select); coding-DNA position 1483, G replaced by A.
Protein change: p.Ala495Thr; replaces alanine 495 with threonine.
Molecular consequence: missense variant.
Genome position (GRCh38, 1-based): chr10:390,275, C>T on the plus strand (G>A on the coding strand, the complement: DIP2C is on the minus strand). VCF-style: chr10-390275-C-T. GRCh37 (hg19) VCF-style: chr10-436215-C-T.
Other names: short protein forms A495T.
Identifiers: ClinVar variation 1376831 (VCV001376831.6), dbSNP rs2132946651, ClinGen allele CA375829313.